The following is an entry in ClinVar:

NM_000554.6(CRX):c.628T>G (p.Ser210Ala)

Gene: CRX (cone-rod homeobox; plus strand). Cytogenetic location: 19q13.33.
Variant type: single nucleotide variant.
Coding change: c.628T>G on transcript NM_000554.6 (MANE Select); coding-DNA position 628, T replaced by G.
Protein change: p.Ser210Ala; replaces serine 210 with alanine.
Molecular consequence: missense variant.
Genome position (GRCh38, 1-based): chr19:47,839,695, T>G. VCF-style: chr19-47839695-T-G. GRCh37 (hg19) VCF-style: chr19-48342952-T-G.
Other names: short protein forms S210A.
Identifiers: ClinVar variation 2942140 (VCV002942140.3), dbSNP rs2514256425, ClinGen allele CA406631321.
Genomic context (GRCh38, chr19:47,839,695, plus strand): 5'-CCCTATGCCATGACCTACGCCCCGGCCTCCGCTTTCTGCTCTTCCCCCTCCGCCTATGGG[T>G]CTCCGAGCTCCTATTTCAGCGGCCTAGACCCCTACCTTTCTCCCATGGTGCCCCAGCTAG-3'
Protein context (NP_000545.1, residues 200-220): AFCSSPSAYG[Ser210Ala]PSSYFSGLDP

ClinVar aggregate classification (germline): Uncertain significance (1 of 4 stars; one submission).

Conditions:
Leber congenital amaurosis 7 (LCA7). Identifiers: Orphanet 65, MedGen C3151192, MONDO:0013449, OMIM 613829.
Cone-rod dystrophy 2 (CORD2). Also called: CONE-ROD RETINAL DYSTROPHY; Cone-rod retinal dystrophy 2. Identifiers: Orphanet 1872, MedGen C3489532, MONDO:0007362, OMIM 120970.

Submission:

Labcorp Genetics (formerly Invitae), Labcorp
Classification: Uncertain significance for Cone-rod dystrophy 2; Leber congenital amaurosis 7. Last evaluated: 2022-12-08. Review status: criteria provided, single submitter. Criteria: Invitae Variant Classification Sherloc (09022015). Collection method: clinical testing. Allele origin: germline.
Comment: In summary, the available evidence is currently insufficient to determine the role of this variant in disease. Therefore, it has been classified as a Variant of Uncertain Significance. Advanced modeling of protein sequence and biophysical properties (such as structural, functional, and spatial information, amino acid conservation, physicochemical variation, residue mobility, and thermodynamic stability) performed at Invitae indicates that this missense variant is not expected to disrupt CRX protein function. This variant has not been reported in the literature in individuals affected with CRX-related conditions. This variant is not present in population databases (gnomAD no frequency). This sequence change replaces serine, which is neutral and polar, with alanine, which is neutral and non-polar, at codon 210 of the CRX protein (p.Ser210Ala).